The following is an entry in ClinVar:

NM_005869.4(CWC27):c.1002dup (p.Val335fs)

Gene: CWC27 (CWC27 spliceosome associated cyclophilin; plus strand). Cytogenetic location: 5q12.3.
Variant type: Duplication.
Coding change: c.1002dup on transcript NM_005869.4 (MANE Select); coding-DNA position 1002, one base duplicated (A; older notation c.1002dupA).
Protein change: p.Val335fs; shifts the reading frame from valine 335.
Molecular consequence: frameshift variant.
Genome position (GRCh38, 1-based): chr5:64,885,506, A duplicated; the last of 8 consecutive A bases (chr5:64,885,499-64,885,506); duplicating any one gives the same sequence. VCF-style (leftmost placement, unchanged base first): chr5-64885498-C-CA. GRCh37 (hg19) VCF-style: chr5-64181325-C-CA.
Other names: c.1002dupA (NM_005869.3); c.1002dup, p.Val335fs (NM_001297644.1, NM_001364478.1); short protein forms V335fs.
Identifiers: ClinVar variation 426073 (VCV000426073.15), dbSNP rs752159903, ClinGen allele CA3282177.
Genomic context (GRCh38, chr5:64,885,498, plus strand): 5'-TATAGTGAAGAGCTCAGAAAAGAAGCAAGACAATTAAAACGGGAACTCTTAGCAGCAAAA[C>CA]AAAAAAAAGTAGAAAATGCAGCAAAACAAGCAGAAAAAAGAAGTGAAGGTAAGGGCATTT-3'

ClinVar aggregate classification (germline): Pathogenic. Review status: criteria provided, multiple submitters, no conflicts (2 of 4 stars). 6 submissions from 6 submitters: Pathogenic (3). 3 of the submissions do not count toward it. Last evaluated 2025-05-09.

Conditions:
Retinal dystrophy. Also called: Inherited retinal dystrophy. Identifiers: Orphanet 71862, MedGen C0854723, MeSH D058499, MONDO:0019118, HP:0000556.
Metaphyseal chondrodysplasia-retinitis pigmentosa syndrome. Also called: Retinitis pigmentosa with or without skeletal anomalies. Identifiers: Orphanet 166035, MedGen C1855188, MONDO:0009598, OMIM 250410.

Submissions (6):

Labcorp Genetics (formerly Invitae), Labcorp
Classification: Pathogenic. Last evaluated: 2025-05-09. Review status: criteria provided, single submitter. Criteria: Invitae Variant Classification Sherloc (09022015). Collection method: clinical testing. Allele origin: germline.
Comment: This sequence change creates a premature translational stop signal (p.Val335Serfs*13) in the CWC27 gene. It is expected to result in an absent or disrupted protein product. Loss-of-function variants in CWC27 are known to be pathogenic (PMID: 28285769). The frequency data for this variant in the population databases is considered unreliable, as metrics indicate poor data quality at this position in the gnomAD database. This premature translational stop signal has been observed in individual(s) with retinal degeneration (PMID: 28285769). ClinVar contains an entry for this variant (Variation ID: 426073). For these reasons, this variant has been classified as Pathogenic.

Genomic Medicine Center of Excellence, King Faisal Specialist Hospital and Research Centre
Classification: Pathogenic for Metaphyseal chondrodysplasia-retinitis pigmentosa syndrome. Last evaluated: 2024-12-17. Review status: criteria provided, single submitter. Criteria: ACMG Guidelines, 2015. Collection method: clinical testing. Allele origin: germline.

Fulgent Genetics
Classification: Pathogenic for Metaphyseal chondrodysplasia-retinitis pigmentosa syndrome. Last evaluated: 2024-03-21. Review status: criteria provided, single submitter. Criteria: ACMG Guidelines, 2015. Collection method: clinical testing. Allele origin: germline.

Institute of Human Genetics, Univ. Regensburg, Univ. Regensburg
Classification: Pathogenic for Retinal dystrophy. Last evaluated: 2019-01-01. Review status: no assertion criteria provided. Criteria: ACMG Guidelines, 2015. Collection method: clinical testing. Allele origin: germline. Affected: yes. Not counted in ClinVar's aggregate classification.

OMIM
Classification: Pathogenic for RETINITIS PIGMENTOSA WITH OR WITHOUT SKELETAL ANOMALIES. Last evaluated: 2017-05-11. Review status: no assertion criteria provided. Collection method: literature only. Allele origin: germline. Not counted in ClinVar's aggregate classification.

Genomics England Pilot Project, Genomics England
Classification: Likely pathogenic for Metaphyseal chondrodysplasia-retinitis pigmentosa syndrome. Review status: no assertion criteria provided. Criteria: ACGS Guidelines, 2016. Collection method: clinical testing. Allele origin: germline. Affected: yes. Not counted in ClinVar's aggregate classification.

Literature cited by the submitters: PubMed 28285769 (cited by Labcorp Genetics (formerly Invitae), Labcorp and OMIM).